The following is an entry in ClinVar:

NM_001818.5(AKR1C4):c.279G>A (p.Gln93=)

Gene: AKR1C4 (aldo-keto reductase family 1 member C4; plus strand). Cytogenetic location: 10p15.1.
Variant type: single nucleotide variant.
Coding change: c.279G>A on transcript NM_001818.5 (MANE Select); coding-DNA position 279, G replaced by A.
Protein change: p.Gln93=; no amino-acid change (glutamine 93 retained).
Molecular consequence: synonymous variant.
Genome position (GRCh38, 1-based): chr10:5,204,403, G>A. VCF-style: chr10-5204403-G-A. GRCh37 (hg19) VCF-style: chr10-5246366-G-A.
Identifiers: ClinVar variation 4978875 (VCV004978875.1).

ClinVar aggregate classification (germline): Likely benign (1 of 4 stars; one submission).

Conditions:
AKR1C4-related disorder. Also called: AKR1C4-related condition.

gnomAD v4.1: 3 of 1,613,812 alleles (0.00019%); highest among the groups gnomAD compares: Admixed American, 0.0033%; no homozygotes.

Submission:

PreventionGenetics, part of Exact Sciences
Classification: Likely benign for AKR1C4-related condition. Last evaluated: 2024-10-23. Review status: criteria provided, single submitter. Criteria: ACMG Guidelines, 2015. Collection method: clinical testing. Allele origin: germline.
Comment: This variant is classified as likely benign based on ACMG/AMP sequence variant interpretation guidelines (Richards et al. 2015 PMID: 25741868, with internal and published modifications).